The following is an entry in ClinVar:

NM_001009944.3(PKD1):c.10842C>G (p.Tyr3614Ter)

Genes: PKD1 (polycystin 1, transient receptor potential channel interacting; minus strand), PKD1-AS1 (PKD1 antisense RNA 1; plus strand). Cytogenetic location: 16p13.3.
Variant type: single nucleotide variant.
Coding change: c.10842C>G on transcript NM_001009944.3 (MANE Select); coding-DNA position 10842, C replaced by G.
Protein change: p.Tyr3614Ter; replaces tyrosine 3614 with a stop codon.
Molecular consequence: nonsense.
Genome position (GRCh38, 1-based): chr16:2,093,718, G>C on the plus strand (C>G on the coding strand, the complement: PKD1 is on the minus strand). VCF-style: chr16-2093718-G-C. GRCh37 (hg19) VCF-style: chr16-2143719-G-C.
Other names: c.10839C>G, p.Tyr3613Ter (NM_000296.4); short protein forms Y3613*, Y3614*.
Identifiers: ClinVar variation 2506776 (VCV002506776.2), dbSNP rs1367335682, ClinGen allele CA394339338.

ClinVar aggregate classification (germline): Pathogenic. Review status: criteria provided, multiple submitters, no conflicts (2 of 4 stars). 2 submissions from 2 submitters: Pathogenic (2). Last evaluated 2026-05-06.

Conditions:
Polycystic kidney disease, adult type (PKD1). Also called: POLYCYSTIC KIDNEY DISEASE, ADULT, TYPE I; Polycystic Kidney Disease 1, Autosomal Dominant; Polycystic kidney disease 1; Polycystic kidney disease 1, severe; Polycystic Kidney, Autosomal Dominant; POLYCYSTIC KIDNEY DISEASE 1 WITH OR WITHOUT POLYCYSTIC LIVER DISEASE. Identifiers: MedGen C3149841, MONDO:0008263, OMIM 173900.

Submissions (2):

Victorian Clinical Genetics Services, Murdoch Childrens Research Institute
Classification: Pathogenic for Polycystic kidney disease, adult type. Last evaluated: 2026-05-06. Review status: criteria provided, single submitter. Criteria: ACMG Guidelines, 2015. Collection method: clinical testing. Allele origin: germline. Affected: yes.
Comment: This variant is classified as Pathogenic. Evidence in support of pathogenic classification: Variant is predicted to cause nonsense-mediated decay (NMD) and loss of protein (premature termination codon is located at least 54 nucleotides upstream of the final exon-exon junction); Variant is absent from gnomAD (v2, v3 and v4); This variant has limited previous evidence of pathogenicity in an unrelated individual(s). This variant has been classified as pathogenic by a clinical laboratory in ClinVar. - Other NMD-predicted variant(s) comparable to the one identified in this case have very strong previous evidence for pathogenicity (DECIPHER). Additional information: This variant is heterozygous; This gene is associated with autosomal dominant disease. Polycystic kidney disease 1 (MIM#173900) is predominantly caused by monoallelic variants, with rare reports of biallelic variants causing disease (OMIM); Loss of function is a known mechanism of disease in this gene and is associated with polycystic kidney disease 1 (MIM#173900); Inheritance information for this variant is not currently available in this individual.

GeneDx
Classification: Pathogenic. Last evaluated: 2023-06-19. Review status: criteria provided, single submitter. Criteria: GeneDx Variant Classification Process June 2021. Collection method: clinical testing. Allele origin: germline. Affected: yes.
Comment: Nonsense variant predicted to result in protein truncation or nonsense mediated decay in a gene for which loss-of-function is a known mechanism of disease; Not observed in large population cohorts (gnomAD); Has not been previously published as pathogenic or benign to our knowledge